The following is an entry in ClinVar:

NM_016333.4(SRRM2):c.2717G>A (p.Arg906Lys)

Gene: SRRM2 (serine/arginine repetitive matrix 2; plus strand). Cytogenetic location: 16p13.3.
Variant type: single nucleotide variant.
Coding change: c.2717G>A on transcript NM_016333.4 (MANE Select); coding-DNA position 2717, G replaced by A.
Protein change: p.Arg906Lys; replaces arginine 906 with lysine.
Molecular consequence: missense variant.
Genome position (GRCh38, 1-based): chr16:2,763,245, G>A. VCF-style: chr16-2763245-G-A. GRCh37 (hg19) VCF-style: chr16-2813246-G-A.
Other names: short protein forms R906K.
Identifiers: ClinVar variation 2499872 (VCV002499872.1), dbSNP rs535878526, ClinGen allele CA394411786.

ClinVar aggregate classification (germline): Uncertain significance (1 of 4 stars; one submission).

gnomAD v4.1: 1 of 1,614,032 alleles (0.000062%); highest among the groups gnomAD compares: Admixed American, 0.0017%; no homozygotes.

Submission:

GeneDx
Classification: Uncertain significance. Last evaluated: 2022-10-20. Review status: criteria provided, single submitter. Criteria: GeneDx Variant Classification Process June 2021. Collection method: clinical testing. Allele origin: germline. Affected: yes.
Comment: Not observed at significant frequency in large population cohorts (gnomAD); In silico analysis supports that this missense variant does not alter protein structure/function; Has not been previously published as pathogenic or benign to our knowledge